The following is an entry in ClinVar:

ClinVar aggregate classification (germline): Uncertain significance (1 of 4 stars; one submission).

Conditions:
Cardiovascular phenotype. Identifiers: MedGen CN230736.

Submission:

Ambry Genetics
Classification: Uncertain significance for Cardiovascular phenotype. Last evaluated: 2024-10-22. Review status: criteria provided, single submitter. Criteria: Ambry Variant Classification Scheme 2023. Collection method: clinical testing. Allele origin: germline.
Comment: The p.S827N variant (also known as c.2480G>A), located in coding exon 4 of the TNXB gene, results from a G to A substitution at nucleotide position 2480. The serine at codon 827 is replaced by asparagine, an amino acid with highly similar properties. This amino acid position is conserved. In addition, this alteration is predicted to be tolerated by in silico analysis. Based on the available evidence, the clinical significance of this variant remains unclear.

NM_001365276.2(TNXB):c.2480G>A (p.Ser827Asn)

Gene: TNXB (tenascin XB; minus strand). Cytogenetic location: 6p21.33.
Variant type: single nucleotide variant.
Coding change: c.2480G>A on transcript NM_001365276.2 (MANE Select); coding-DNA position 2480, G replaced by A.
Protein change: p.Ser827Asn; replaces serine 827 with asparagine.
Molecular consequence: missense variant.
Genome position (GRCh38, 1-based): chr6:32,089,258, C>T on the plus strand (G>A on the coding strand, the complement: TNXB is on the minus strand). VCF-style: chr6-32089258-C-T. GRCh37 (hg19) VCF-style: chr6-32057035-C-T.
Other names: c.2480G>A, p.Ser827Asn (NM_001428335.1, NM_019105.8); short protein forms S827N.
Identifiers: ClinVar variation 3459835 (VCV003459835.1).